The following is an entry in ClinVar:

NM_012242.4(DKK1):c.243+9G>A

Gene: DKK1 (dickkopf WNT signaling pathway inhibitor 1; plus strand). Cytogenetic location: 10q21.1.
Variant type: single nucleotide variant.
Coding change: c.243+9G>A on transcript NM_012242.4 (MANE Select); 9 bases into the intron after coding-DNA position 243, G replaced by A.
Molecular consequence: intron variant.
Genome position (GRCh38, 1-based): chr10:52,314,686, G>A. VCF-style: chr10-52314686-G-A. GRCh37 (hg19) VCF-style: chr10-54074446-G-A.
Identifiers: ClinVar variation 3051082 (VCV003051082.2), dbSNP rs1173272726, ClinGen allele CA593783354.

ClinVar aggregate classification (germline): Likely benign (0 of 4 stars; one submission).

Conditions:
DKK1-related disorder. Also called: DKK1-related condition.

Allele frequency attached by ClinVar (database versions not stated): gnomAD exomes below 0.00001; TOPMed 0.00001.
gnomAD v4.1: 6 of 1,611,126 alleles (0.00037%); highest among the groups gnomAD compares: Admixed American, 0.0033%; no homozygotes.

Submission:

PreventionGenetics, part of Exact Sciences
Classification: Likely benign for DKK1-related condition. Last evaluated: 2022-12-28. Review status: no assertion criteria provided. Collection method: clinical testing. Allele origin: germline.
Comment: This variant is classified as likely benign based on ACMG/AMP sequence variant interpretation guidelines (Richards et al. 2015 PMID: 25741868, with internal and published modifications).